The following is an entry in ClinVar:

NM_002335.4(LRP5):c.23C>T (p.Pro8Leu)

Gene: LRP5 (LDL receptor related protein 5; plus strand). Cytogenetic location: 11q13.2.
Variant type: single nucleotide variant.
Coding change: c.23C>T on transcript NM_002335.4 (MANE Select); coding-DNA position 23, C replaced by T.
Protein change: p.Pro8Leu; replaces proline 8 with leucine.
Molecular consequence: missense variant. On other transcripts: 5 prime UTR variant (1).
Genome position (GRCh38, 1-based): chr11:68,312,737, C>T. VCF-style: chr11-68312737-C-T. GRCh37 (hg19) VCF-style: chr11-68080205-C-T.
Other names: c.-1743C>T (NM_001291902.2); short protein forms P8L.
Identifiers: ClinVar variation 4773020 (VCV004773020.1).
Genomic context (GRCh38, chr11:68,312,737, plus strand): 5'-AGTGAGCGCGGCGCGGGCCCGTCCGGCCGCCGGACAACATGGAGGCAGCGCCGCCCGGGC[C>T]GCCGTGGCCGCTGCTGCTGCTGCTGCTGCTGCTGCTGGCGCTGTGCGGCTGCCCGGCCCC-3'
Protein context (NP_002326.2, residues 1-18): MEAAPPG[Pro8Leu]PWPLLLLLLL

ClinVar aggregate classification (germline): Uncertain significance (1 of 4 stars; one submission).

Submission:

Labcorp Genetics (formerly Invitae), Labcorp
Classification: Uncertain significance. Last evaluated: 2025-07-29. Review status: criteria provided, single submitter. Criteria: Invitae Variant Classification Sherloc (09022015). Collection method: clinical testing. Allele origin: germline.
Comment: This sequence change replaces proline, which is neutral and non-polar, with leucine, which is neutral and non-polar, at codon 8 of the LRP5 protein (p.Pro8Leu). The frequency data for this variant in the population databases is considered unreliable, as metrics indicate insufficient coverage at this position in the gnomAD database. This variant has not been reported in the literature in individuals affected with LRP5-related conditions. Invitae Evidence Modeling of protein sequence and biophysical properties (such as structural, functional, and spatial information, amino acid conservation, physicochemical variation, residue mobility, and thermodynamic stability) indicates that this missense variant is not expected to disrupt LRP5 protein function with a negative predictive value of 95%. In summary, the available evidence is currently insufficient to determine the role of this variant in disease. Therefore, it has been classified as a Variant of Uncertain Significance.